The following is an entry in ClinVar:

NM_020381.4(PDSS2):c.919G>A (p.Asp307Asn)

Gene: PDSS2 (decaprenyl diphosphate synthase subunit 2; minus strand). Cytogenetic location: 6q21.
Variant type: single nucleotide variant.
Coding change: c.919G>A on transcript NM_020381.4 (MANE Select); coding-DNA position 919, G replaced by A.
Protein change: p.Asp307Asn; replaces aspartic acid 307 with asparagine.
Molecular consequence: missense variant.
Genome position (GRCh38, 1-based): chr6:107,210,528, C>T on the plus strand (G>A on the coding strand, the complement: PDSS2 is on the minus strand). VCF-style: chr6-107210528-C-T. GRCh37 (hg19) VCF-style: chr6-107531732-C-T.
Other names: c.919G>A (NM_020381.3); short protein forms D307N.
Identifiers: ClinVar variation 2071956 (VCV002071956.2), dbSNP rs1213284729, ClinGen allele CA365322616.

ClinVar aggregate classification (germline): Uncertain significance. Review status: criteria provided, multiple submitters, no conflicts (2 of 4 stars). 2 submissions from 2 submitters: Uncertain significance (2). Last evaluated 2024-01-04.

Conditions:
Inborn genetic diseases. Identifiers: MedGen C0950123, MeSH D030342.

Allele frequency attached by ClinVar (database versions not stated): gnomAD exomes below 0.00001; gnomAD 0.00003; TOPMed 0.00006.
gnomAD v4.1: 8 of 1,602,680 alleles (0.0005%); highest among the groups gnomAD compares: African/African-American, 0.011%; no homozygotes.

Submissions (2):

Ambry Genetics
Classification: Uncertain significance for Inborn genetic diseases. Last evaluated: 2024-01-04. Review status: criteria provided, single submitter. Criteria: Ambry Variant Classification Scheme 2023. Collection method: clinical testing. Allele origin: germline.

Labcorp Genetics (formerly Invitae), Labcorp
Classification: Uncertain significance. Last evaluated: 2022-01-02. Review status: criteria provided, single submitter. Criteria: Invitae Variant Classification Sherloc (09022015). Collection method: clinical testing. Allele origin: germline.
Comment: This sequence change replaces aspartic acid, which is acidic and polar, with asparagine, which is neutral and polar, at codon 307 of the PDSS2 protein (p.Asp307Asn). This variant is not present in population databases (gnomAD no frequency). This variant has not been reported in the literature in individuals affected with PDSS2-related conditions. Algorithms developed to predict the effect of missense changes on protein structure and function are either unavailable or do not agree on the potential impact of this missense change (SIFT: "Tolerated"; PolyPhen-2: "Possibly Damaging"; Align-GVGD: "Class C0"). In summary, the available evidence is currently insufficient to determine the role of this variant in disease. Therefore, it has been classified as a Variant of Uncertain Significance.